The following is an entry in ClinVar:

NM_006767.4(LZTR1):c.1992G>A (p.Ala664=)

Gene: LZTR1 (leucine zipper like post translational regulator 1; plus strand). Cytogenetic location: 22q11.21.
Variant type: single nucleotide variant.
Coding change: c.1992G>A on transcript NM_006767.4 (MANE Select); coding-DNA position 1992, G replaced by A.
Protein change: p.Ala664=; no amino-acid change (alanine 664 retained).
Molecular consequence: synonymous variant.
Genome position (GRCh38, 1-based): chr22:20,995,795, G>A. VCF-style: chr22-20995795-G-A. GRCh37 (hg19) VCF-style: chr22-21350084-G-A.
Identifiers: ClinVar variation 1783989 (VCV001783989.12), dbSNP rs144805359, ClinGen allele CA10119193.

ClinVar aggregate classification (germline): Benign/Likely benign. Review status: criteria provided, multiple submitters, no conflicts (2 of 4 stars). 5 submissions from 5 submitters: Benign (1); Likely benign (4). Last evaluated 2026-06-17.

Conditions:
Hereditary cancer-predisposing syndrome. Also called: Tumor predisposition; Hereditary neoplastic syndrome; Hereditary Cancer Syndrome; Neoplastic Syndromes, Hereditary. Identifiers: Orphanet 140162, MedGen C0027672, MeSH D009386, MONDO:0015356.
Cardiovascular phenotype. Identifiers: MedGen CN230736.
LZTR1-related disorder. Also called: LZTR1-related disorders; LZTR1-related condition.

Allele frequency attached by ClinVar (database versions not stated): ExAC 0.00002; ESP Exome Variant Server 0.00008; gnomAD 0.00008; TOPMed 0.00008.
gnomAD v4.1: 43 of 1,613,416 alleles (0.0027%); highest among the groups gnomAD compares: Admixed American, 0.02%; no homozygotes.

Submissions (5):

PreventionGenetics, part of Exact Sciences
Classification: Likely benign for LZTR1-related condition. Last evaluated: 2026-06-17. Review status: criteria provided, single submitter. Criteria: ACMG Guidelines, 2015. Collection method: clinical testing. Allele origin: germline.
Comment: This variant is classified as likely benign based on ACMG/AMP sequence variant interpretation guidelines (Richards et al. 2015 PMID: 25741868, with internal and published modifications).

Labcorp Genetics (formerly Invitae), Labcorp
Classification: Likely benign. Last evaluated: 2025-10-06. Review status: criteria provided, single submitter. Criteria: Invitae Variant Classification Sherloc (09022015). Collection method: clinical testing. Allele origin: germline.

Blueprint Genetics
Classification: Likely benign. Last evaluated: 2024-07-12. Review status: criteria provided, single submitter. Criteria: ACMG Guidelines, 2015. Collection method: clinical testing. Allele origin: germline.

Women's Health and Genetics/Laboratory Corporation of America, LabCorp
Classification: Benign. Last evaluated: 2023-01-23. Review status: criteria provided, single submitter. Criteria: LabCorp Variant Classification Summary - May 2015. Collection method: clinical testing. Allele origin: germline.
Comment: Variant summary: LZTR1 c.1992G>A alters a non-conserved nucleotide resulting in a synonymous change. 4/4 computational tools predict no significant impact on normal splicing. However, these predictions have yet to be confirmed by functional studies. The variant allele was found at a frequency of 4e-05 in 251240 control chromosomes (gnomAD). The observed variant frequency is approximately 8 fold of the estimated maximal predicted allele frequency for a pathogenic variant in LZTR1 causing Noonan Syndrome phenotype (5e-06), strongly suggesting that the variant is benign. To our knowledge, no occurrence of c.1992G>A in individuals affected with Noonan Syndrome and no experimental evidence demonstrating its impact on protein function have been reported. One clinical diagnostic laboratory has submitted clinical-significance assessments for this variant to ClinVar after 2014 and classified the variant as likely benign. Based on the evidence outlined above, the variant was classified as benign.

Ambry Genetics
Classification: Likely benign for Cardiovascular phenotype; Hereditary cancer-predisposing syndrome. Last evaluated: 2021-02-02. Review status: criteria provided, single submitter. Criteria: Ambry Variant Classification Scheme 2023. Collection method: clinical testing. Allele origin: germline.